The following is an entry in ClinVar:

ClinVar aggregate classification (germline): Uncertain significance (1 of 4 stars; one submission).

Conditions:
Hereditary cancer-predisposing syndrome. Also called: Neoplastic Syndromes, Hereditary; Tumor predisposition; Hereditary Cancer Syndrome; Hereditary neoplastic syndrome. Identifiers: Orphanet 140162, MedGen C0027672, MeSH D009386, MONDO:0015356.

Submission:

Ambry Genetics
Classification: Uncertain significance for Hereditary cancer-predisposing syndrome. Last evaluated: 2025-11-24. Review status: criteria provided, single submitter. Criteria: Ambry Variant Classification Scheme 2023. Collection method: clinical testing. Allele origin: germline.
Comment: The c.6315C>A variant (also known as p.I2105I), located in coding exon 45 of the POLE gene, results from a C to A substitution at nucleotide position 6315. This nucleotide substitution does not change the amino acid at codon 2105. This nucleotide position is not well conserved in available vertebrate species. In silico splice site analysis for this alteration is inconclusive. Based on the available evidence, the clinical significance of this variant remains unclear.

NM_006231.4(POLE):c.6315C>A (p.Ile2105=)

Gene: POLE (DNA polymerase epsilon, catalytic subunit; minus strand). Cytogenetic location: 12q24.33.
Variant type: single nucleotide variant.
Coding change: c.6315C>A on transcript NM_006231.4 (MANE Select); coding-DNA position 6315, C replaced by A.
Protein change: p.Ile2105=; no amino-acid change (isoleucine 2105 retained).
Molecular consequence: synonymous variant.
Genome position (GRCh38, 1-based): chr12:132,632,330, G>T on the plus strand (C>A on the coding strand, the complement: POLE is on the minus strand). VCF-style: chr12-132632330-G-T. GRCh37 (hg19) VCF-style: chr12-133208916-G-T.
Identifiers: ClinVar variation 4672506 (VCV004672506.1).
Genomic context (GRCh38, chr12:132,632,330, plus strand): 5'-ATGTACGTTAGTGTCCTCTCCTCACACGCACGCTGGCACTCTCACCTTGCACACGTATTT[G>T]ATGAACTCCAGGGCAGGGTTATTGAGCAGCAAGTGGGAACCGGGGAGGACAGGAAACATC-3'
Protein context (NP_006222.2, residues 2095-2115): LLLNNPALEF[Ile2105=]KYVCKVLSLD